The following is an entry in ClinVar:

NM_172107.4(KCNQ2):c.297-15G>A

Gene: KCNQ2 (potassium voltage-gated channel subfamily Q member 2; minus strand). Cytogenetic location: 20q13.33.
Variant type: single nucleotide variant.
Coding change: c.297-15G>A on transcript NM_172107.4 (MANE Select); 15 bases into the intron before coding-DNA position 297, G replaced by A.
Molecular consequence: intron variant.
Genome position (GRCh38, 1-based): chr20:63,446,852, C>T on the plus strand (G>A on the coding strand, the complement: KCNQ2 is on the minus strand). VCF-style: chr20-63446852-C-T. GRCh37 (hg19) VCF-style: chr20-62078205-C-T.
Other names: c.297-15G>A (NM_004518.6, NM_172108.5, NM_172106.3 and 1 more transcripts).
Identifiers: ClinVar variation 511538 (VCV000511538.4), dbSNP rs775049542, ClinGen allele CA9958866.

ClinVar aggregate classification (germline): Likely benign. Review status: criteria provided, multiple submitters, no conflicts (2 of 4 stars). 2 submissions from 2 submitters: Likely benign (2). Last evaluated 2023-12-17.

Conditions:
Early-infantile DEE. Also called: Early infantile epileptic encephalopathy with suppression bursts; Early infantile epileptic encephalopathy; Ohtahara syndrome. Identifiers: Orphanet 1934, MedGen C0393706, MONDO:0800491.

Allele frequency attached by ClinVar (database versions not stated): gnomAD exomes below 0.00001 and 0.00002; ExAC 0.00001.
gnomAD v4.1: 30 of 1,610,032 alleles (0.0019%); highest among the groups gnomAD compares: South Asian, 0.0022%; no homozygotes.

Submissions (2):

Labcorp Genetics (formerly Invitae), Labcorp
Classification: Likely benign for Early-infantile DEE. Last evaluated: 2023-12-17. Review status: criteria provided, single submitter. Criteria: Invitae Variant Classification Sherloc (09022015). Collection method: clinical testing. Allele origin: germline.

GeneDx
Classification: Likely benign. Last evaluated: 2017-08-16. Review status: criteria provided, single submitter. Criteria: GeneDx Variant Classification (06012015). Collection method: clinical testing. Allele origin: germline. Affected: yes.
Comment: This variant is considered likely benign or benign based on one or more of the following criteria: it is a conservative change, it occurs at a poorly conserved position in the protein, it is predicted to be benign by multiple in silico algorithms, and/or has population frequency not consistent with disease.